The following is an entry in ClinVar:

NM_004415.4(DSP):c.3181A>G (p.Asn1061Asp)

Gene: DSP (desmoplakin; plus strand). Cytogenetic location: 6p24.3.
Variant type: single nucleotide variant.
Coding change: c.3181A>G on transcript NM_004415.4 (MANE Select); coding-DNA position 3181, A replaced by G.
Protein change: p.Asn1061Asp; replaces asparagine 1061 with aspartic acid.
Molecular consequence: missense variant.
Genome position (GRCh38, 1-based): chr6:7,579,371, A>G. VCF-style: chr6-7579371-A-G. GRCh37 (hg19) VCF-style: chr6-7579604-A-G.
Other names: c.3181A>G, p.Asn1061Asp (NM_001008844.3, NM_001319034.2); short protein forms N1061D.
Identifiers: ClinVar variation 4758891 (VCV004758891.2).
Genomic context (GRCh38, chr6:7,579,371, plus strand): 5'-CTCAGACTGGCCCGAGATGCCAACTCGGAAAACTGTAATAAGAACAAATTCCTGGATCAG[A>G]ACCTGCAGAAATACCAGGCAGAGTGTTCCCAGTTCAAAGCGAAGCTTGCGAGCCTGGAGG-3'
Protein context (NP_004406.2, residues 1051-1071): NCNKNKFLDQ[Asn1061Asp]LQKYQAECSQ

ClinVar aggregate classification (germline): Uncertain significance. Review status: criteria provided, multiple submitters, no conflicts (2 of 4 stars). 2 submissions from 2 submitters: Uncertain significance (2). Last evaluated 2025-12-16.

Conditions:
Cardiomyopathy (CMYO). Also called: Cardiomyopathies. Identifiers: Orphanet 167848, MedGen C0878544, MONDO:0004994, HP:0001638. Inheritance: Various modes of inheritance.
Cardiovascular phenotype. Identifiers: MedGen CN230736.

Submissions (2):

Ambry Genetics
Classification: Uncertain significance for Cardiovascular phenotype. Last evaluated: 2025-12-16. Review status: criteria provided, single submitter. Criteria: Ambry Variant Classification Scheme 2023. Collection method: clinical testing. Allele origin: germline.
Comment: The p.N1061D variant (also known as c.3181A>G), located in coding exon 23 of the DSP gene, results from an A to G substitution at nucleotide position 3181. The asparagine at codon 1061 is replaced by aspartic acid, an amino acid with highly similar properties. This amino acid position is conserved. In addition, this alteration is predicted to be tolerated by in silico analysis. Based on the available evidence, the clinical significance of this variant remains unclear.

Color Diagnostics, LLC DBA Color Health
Classification: Uncertain significance for Cardiomyopathy. Last evaluated: 2025-07-14. Review status: criteria provided, single submitter. Criteria: ACMG Guidelines, 2015. Collection method: clinical testing. Allele origin: germline.
Comment: This missense variant replaces asparagine with aspartic acid at codon 1061 of the DSP protein. Computational prediction suggests that this variant may not impact protein structure and function. To our knowledge, functional studies have not been reported for this variant. This variant has not been reported in individuals affected with DSP-related disorders in the literature. This variant has not been identified in the general population by the Genome Aggregation Database (gnomAD). The available evidence is insufficient to determine the role of this variant in disease conclusively. Therefore, this variant is classified as a Variant of Uncertain Significance.